The following is an entry in ClinVar:

NM_003823.4(TNFRSF6B):c.799G>A (p.Ala267Thr)

Genes: RTEL1-TNFRSF6B (RTEL1-TNFRSF6B readthrough (NMD candidate); plus strand), TNFRSF6B (TNF receptor superfamily member 6b; plus strand). Cytogenetic location: 20q13.33.
Variant type: single nucleotide variant.
Coding change: c.799G>A on transcript NM_003823.4 (MANE Select); coding-DNA position 799, G replaced by A.
Protein change: p.Ala267Thr; replaces alanine 267 with threonine.
Molecular consequence: missense variant. On other transcripts: non-coding transcript variant (1).
Genome position (GRCh38, 1-based): chr20:63,698,459, G>A. VCF-style: chr20-63698459-G-A. GRCh37 (hg19) VCF-style: chr20-62329812-G-A.
Other names: short protein forms A267T.
Identifiers: ClinVar variation 4753881 (VCV004753881.1).
Genomic context (GRCh38, chr20:63,698,459, plus strand): 5'-AGGGCGGGCCGCGCGGCCTTGCAGCTGAAGCTGCGTCGGCGGCTCACGGAGCTCCTGGGG[G>A]CGCAGGACGGGGCGCTGCTGGTGCGGCTGCTGCAGGCGCTGCGCGTGGCCAGGATGCCCG-3'
Protein context (NP_003814.1, residues 257-277): LRRRLTELLG[Ala267Thr]QDGALLVRLL

ClinVar aggregate classification (germline): Uncertain significance (1 of 4 stars; one submission).

Submission:

Labcorp Genetics (formerly Invitae), Labcorp
Classification: Uncertain significance. Last evaluated: 2025-09-14. Review status: criteria provided, single submitter. Criteria: Invitae Variant Classification Sherloc (09022015). Collection method: clinical testing. Allele origin: germline.
Comment: This sequence change replaces alanine, which is neutral and non-polar, with threonine, which is neutral and polar, at codon 267 of the TNFRSF6B protein (p.Ala267Thr). The frequency data for this variant in the population databases is considered unreliable, as metrics indicate poor data quality at this position in the gnomAD database. This variant has not been reported in the literature in individuals affected with TNFRSF6B-related conditions. An algorithm developed to predict the effect of missense changes on protein structure and function (PolyPhen-2) suggests that this variant is likely to be tolerated. In summary, the available evidence is currently insufficient to determine the role of this variant in disease. Therefore, it has been classified as a Variant of Uncertain Significance.